The following is an entry in ClinVar:

NM_031220.4(PITPNM3):c.61C>T (p.Arg21Ter)

Gene: PITPNM3 (PITPNM family member 3; minus strand). Cytogenetic location: 17p13.1.
Variant type: single nucleotide variant.
Coding change: c.61C>T on transcript NM_031220.4 (MANE Select); coding-DNA position 61, C replaced by T.
Protein change: p.Arg21Ter; replaces arginine 21 with a stop codon.
Molecular consequence: nonsense.
Genome position (GRCh38, 1-based): chr17:6,538,044, G>A on the plus strand (C>T on the coding strand, the complement: PITPNM3 is on the minus strand). VCF-style: chr17-6538044-G-A. GRCh37 (hg19) VCF-style: chr17-6441364-G-A.
Other names: c.61C>T, p.Arg21Ter (NM_001165966.2); short protein forms R21*.
Identifiers: ClinVar variation 2647312 (VCV002647312.24), dbSNP rs2544141132, ClinGen allele CA397402934.

ClinVar aggregate classification (germline): Likely pathogenic (1 of 4 stars; one submission).

Submission:

CeGaT Center for Human Genetics Tuebingen
Classification: Likely pathogenic. Last evaluated: 2023-01-01. Review status: criteria provided, single submitter. Criteria: CeGaT Center For Human Genetics Tuebingen Variant Classification Criteria Version 2. Collection method: clinical testing. Allele origin: germline. Affected: yes. Observed: 1 variant allele.
Comment: PITPNM3: PVS1:Strong, PM2